The following is an entry in ClinVar:

ClinVar aggregate classification (germline): Conflicting classifications of pathogenicity. Review status: criteria provided, conflicting classifications (1 of 4 stars). 2 submissions from 2 submitters: Uncertain significance (1); Likely benign (1). Last evaluated 2023-02-01.

Conditions:
Danon disease. Also called: ANTOPOL DISEASE; PSEUDOGLYCOGENOSIS II; Glycogen Storage Disease Type IIb; GSD IIb; LYSOSOMAL GLYCOGEN STORAGE DISEASE WITHOUT ACID MALTASE DEFICIENCY. Identifiers: Orphanet 34587, MedGen C0878677, MONDO:0010281, OMIM 300257.

Allele frequency attached by ClinVar (database versions not stated): TOPMed 0.00028; gnomAD 0.00038 and 0.00040.
gnomAD v4.1: 44 of 111,547 alleles (0.039%); highest among the groups gnomAD compares: Non-Finnish European, 0.07%; no homozygotes.

Submissions (2):

CeGaT Center for Human Genetics Tuebingen
Classification: Likely benign. Last evaluated: 2023-02-01. Review status: criteria provided, single submitter. Criteria: CeGaT Center For Human Genetics Tuebingen Variant Classification Criteria Version 2. Collection method: clinical testing. Allele origin: germline. Affected: yes. Observed: 2 variant alleles.
Comment: LAMP2: BS2

Illumina Laboratory Services, Illumina
Classification: Uncertain significance for Danon disease. Last evaluated: 2018-01-12. Review status: criteria provided, single submitter. Criteria: ICSL Variant Classification Criteria 13 December 2019. Collection method: clinical testing. Allele origin: germline.

NM_002294.3(LAMP2):c.*4757A>G

Gene: LAMP2 (lysosome associated membrane protein 2; minus strand). Cytogenetic location: Xq24.
Variant type: single nucleotide variant.
Coding change: c.*4757A>G on transcript NM_002294.3 (MANE Select); 4757 bases downstream of the stop codon, A replaced by G.
Molecular consequence: 3 prime UTR variant.
Genome position (GRCh38, 1-based): chrX:120,426,566, T>C on the plus strand (A>G on the coding strand, the complement: LAMP2 is on the minus strand). VCF-style: chrX-120426566-T-C. GRCh37 (hg19) VCF-style: chrX-119560421-T-C.
Other names: c.*1918A>G (NM_001122606.1).
Identifiers: ClinVar variation 913669 (VCV000913669.28), dbSNP rs767652057, ClinGen allele CA335012045.